The following is an entry in ClinVar:

ClinVar aggregate classification (germline): Uncertain significance (1 of 4 stars; one submission).

Conditions:
Severe myoclonic epilepsy in infancy (DRVT). Also called: SEVERE MYOCLONIC EPILEPSY OF INFANCY; Dravet syndrome; Epileptic encephalopathy, early infantile, 6 (Dravet syndrome); DEVELOPMENTAL AND EPILEPTIC ENCEPHALOPATHY 6A; Severe Myoclonic Epilepsy in Infancy (SMEI). Identifiers: Orphanet 33069, MedGen C0751122, MONDO:0100135, OMIM 607208.

Allele frequency attached by ClinVar (database versions not stated): TOPMed 0.00002.
gnomAD v4.1: 8 of 1,370,862 alleles (0.00058%); highest among the groups gnomAD compares: South Asian, 0.0033%; no homozygotes.

Submission:

Labcorp Genetics (formerly Invitae), Labcorp
Classification: Uncertain significance for Severe myoclonic epilepsy in infancy. Last evaluated: 2022-06-02. Review status: criteria provided, single submitter. Criteria: Invitae Variant Classification Sherloc (09022015). Collection method: clinical testing. Allele origin: germline.
Comment: This sequence change replaces glycine, which is neutral and non-polar, with glutamic acid, which is acidic and polar, at codon 6 of the SNX27 protein (p.Gly6Glu). This variant is not present in population databases (gnomAD no frequency). This variant has not been reported in the literature in individuals affected with SNX27-related conditions. ClinVar contains an entry for this variant (Variation ID: 948018). Algorithms developed to predict the effect of missense changes on protein structure and function are either unavailable or do not agree on the potential impact of this missense change (SIFT: "Deleterious"; PolyPhen-2: "Probably Damaging"; Align-GVGD: "Class C0"). In summary, the available evidence is currently insufficient to determine the role of this variant in disease. Therefore, it has been classified as a Variant of Uncertain Significance.

NM_001330723.2(SNX27):c.17G>A (p.Gly6Glu)

Genes: SNX27 (sorting nexin 27; plus strand), LOC129931442 (ATAC-STARR-seq lymphoblastoid silent region 1324; plus strand). Cytogenetic location: 1q21.3.
Variant type: single nucleotide variant.
Coding change: c.17G>A on transcript NM_001330723.2 (MANE Select); coding-DNA position 17, G replaced by A.
Protein change: p.Gly6Glu; replaces glycine 6 with glutamic acid.
Molecular consequence: missense variant.
Genome position (GRCh38, 1-based): chr1:151,612,218, G>A. VCF-style: chr1-151612218-G-A. GRCh37 (hg19) VCF-style: chr1-151584694-G-A.
Other names: c.17G>A, p.Gly6Glu (NM_030918.6); short protein forms G6E.
Identifiers: ClinVar variation 948018 (VCV000948018.7), dbSNP rs954308263, ClinGen allele CA341973332.